The following is an entry in ClinVar:

ClinVar aggregate classification (germline): Benign/Likely benign. Review status: criteria provided, multiple submitters, no conflicts (2 of 4 stars). 10 submissions from 10 submitters: Benign (5); Likely benign (5). Last evaluated 2026-05-21.

Conditions:
NF1-related disorder. Also called: NF1-related condition. Identifiers: MedGen CN379171.
Hereditary cancer-predisposing syndrome. Also called: Tumor predisposition; Hereditary Cancer Syndrome; Hereditary neoplastic syndrome; Neoplastic Syndromes, Hereditary. Identifiers: Orphanet 140162, MedGen C0027672, MeSH D009386, MONDO:0015356.
Neurofibromatosis, type 1 (NF1). Also called: Neurofibromatosis, type I; VON RECKLINGHAUSEN DISEASE; NEUROFIBROMATOSIS, TYPE I, SOMATIC; Peripheral type neurofibromatosis. Identifiers: Orphanet 636, MedGen C0027831, MONDO:0018975, OMIM 162200. Disease mechanism: loss of function.

Submissions (10):

Myriad Genetics, Inc.
Classification: Benign for Neurofibromatosis, type 1. Last evaluated: 2026-05-21. Review status: criteria provided, single submitter. Criteria: Myriad Autosomal Dominant, Autosomal Recessive and X-Linked Classification Criteria (2023). Collection method: clinical testing. Allele origin: unknown.
Comment: This variant is considered benign. This variant is intronic and is not expected to impact mRNA splicing.

CeGaT Center for Human Genetics Tuebingen
Classification: Benign. Last evaluated: 2026-05-01. Review status: criteria provided, single submitter. Criteria: CeGaT Center For Human Genetics Tuebingen Variant Classification Criteria Version 2. Collection method: clinical testing. Allele origin: germline. Affected: yes. Observed: 11 variant alleles.
Comment: NF1: BP4, BS1, BS2

PreventionGenetics, part of Exact Sciences
Classification: Likely benign for NF1-related condition. Last evaluated: 2026-04-27. Review status: criteria provided, single submitter. Criteria: ACMG Guidelines, 2015. Collection method: clinical testing. Allele origin: germline.
Comment: This variant is classified as likely benign based on ACMG/AMP sequence variant interpretation guidelines (Richards et al. 2015 PMID: 25741868, with internal and published modifications).

Center for Genomic Medicine, Rigshospitalet, Copenhagen University Hospital
Classification: Likely benign. Last evaluated: 2025-03-04. Review status: criteria provided, single submitter. Criteria: ACMG Guidelines, 2015. Collection method: clinical testing. Allele origin: germline.

Women's Health and Genetics/Laboratory Corporation of America, LabCorp
Classification: Benign. Last evaluated: 2023-03-30. Review status: criteria provided, single submitter. Criteria: LabCorp Variant Classification Summary - May 2015. Collection method: clinical testing. Allele origin: germline.

Labcorp Genetics (formerly Invitae), Labcorp
Classification: Likely benign for Neurofibromatosis, type 1. Last evaluated: 2022-11-06. Review status: criteria provided, single submitter. Criteria: Invitae Variant Classification Sherloc (09022015). Collection method: clinical testing. Allele origin: germline.

GeneDx
Classification: Likely benign. Last evaluated: 2022-03-29. Review status: criteria provided, single submitter. Criteria: GeneDx Variant Classification Process June 2021. Collection method: clinical testing. Allele origin: germline. Affected: yes.
Comment: This variant is associated with the following publications: (PMID: 30308447, 34426522)

Genome-Nilou Lab
Classification: Benign for Neurofibromatosis, type 1. Last evaluated: 2022-03-15. Review status: criteria provided, single submitter. Criteria: ACMG Guidelines, 2015. Collection method: clinical testing. Allele origin: germline. Affected: no.

Sema4
Classification: Benign for Hereditary cancer-predisposing syndrome. Last evaluated: 2021-12-07. Review status: criteria provided, single submitter. Criteria: Sema4 Curation Guidelines. Collection method: curation. Allele origin: germline.

Genome Diagnostics Laboratory, The Hospital for Sick Children
Classification: Likely benign for Neurofibromatosis, type 1. Last evaluated: 2020-10-26. Review status: criteria provided, single submitter. Criteria: ACMG Guidelines, 2015. Collection method: clinical testing. Allele origin: germline. Affected: yes.

Literature cited by the submitters: PubMed 10678181 (cited by Women's Health and Genetics/Laboratory Corporation of America, LabCorp); PubMed 23460398 (cited by Women's Health and Genetics/Laboratory Corporation of America, LabCorp); PubMed 30308447 (cited by Women's Health and Genetics/Laboratory Corporation of America, LabCorp).

NM_001042492.3(NF1):c.7190-33TTGT[7]

Gene: NF1 (neurofibromin 1; plus strand). Cytogenetic location: 17q11.2.
Variant type: Microsatellite.
Coding change: c.7190-33TTGT[7] on transcript NM_001042492.3 (MANE Select); seven copies in a row of the 4-base unit TTGT starting at c.7190-33.
Molecular consequence: intron variant.
Genome position: GRCh38 VCF-style: chr17-31349086-C-CTTGT. GRCh37 (hg19) VCF-style: chr17-29676104-C-CTTGT.
Other names: c.7127-11_7127-8dupGTTT (NM_000267.3); c.7190-11_7190-8dupGTTT (NM_001042492.2); c.7127-30_7127-29insTTGT (NM_000267.3); c.7127-11_7127-8dup (NM_000267.3); c.7127-33TTGT[7] (NM_000267.4).
Identifiers: ClinVar variation 560800 (VCV000560800.45), dbSNP rs149197458, ClinGen allele CA8487519.